The following is an entry in ClinVar:

NM_152722.5(HEPACAM):c.710-15_710-9del

Gene: HEPACAM (hepatic and glial cell adhesion molecule; minus strand). Cytogenetic location: 11q24.2.
Variant type: Deletion.
Coding change: c.710-15_710-9del on transcript NM_152722.5 (MANE Select); 15 bases into the intron before coding-DNA position 710 through 9 bases into the intron before coding-DNA position 710, 7 bases deleted (TCTCTCT; older notation c.710-15_710-9delTCTCTCT).
Molecular consequence: intron variant.
Genome position (GRCh38, 1-based): chr11:124,923,442-124,923,448, AGAGAGA deleted on the plus strand (TCTCTCT on the coding strand, the reverse complement: HEPACAM is on the minus strand); deleting any 7 consecutive bases within chr11:124,923,442-124,923,450 gives the same sequence; the c. name uses the placement nearest the transcript's 3' end. VCF-style (leftmost placement, unchanged base first): chr11-124923441-GAGAGAGA-G. GRCh37 (hg19) VCF-style: chr11-124793337-GAGAGAGA-G.
Other names: c.710-15_710-9del (NM_001411043.1).
Identifiers: ClinVar variation 2797043 (VCV002797043.3), dbSNP rs2497463347, ClinGen allele CA2739271782.

ClinVar aggregate classification (germline): Uncertain significance (1 of 4 stars; one submission).

Submission:

Labcorp Genetics (formerly Invitae), Labcorp
Classification: Uncertain significance. Last evaluated: 2022-11-02. Review status: criteria provided, single submitter. Criteria: Invitae Variant Classification Sherloc (09022015). Collection method: clinical testing. Allele origin: germline.
Comment: This variant has not been reported in the literature in individuals affected with HEPACAM-related conditions. In summary, the available evidence is currently insufficient to determine the role of this variant in disease. Therefore, it has been classified as a Variant of Uncertain Significance. Algorithms developed to predict the effect of sequence changes on RNA splicing suggest that this variant may disrupt the consensus splice site. This variant is not present in population databases (gnomAD no frequency). This sequence change falls in intron 3 of the HEPACAM gene. It does not directly change the encoded amino acid sequence of the HEPACAM protein.